The following is an entry in ClinVar:

NM_018975.4(TERF2IP):c.229G>A (p.Asp77Asn)

Gene: TERF2IP (TERF2 interacting protein; plus strand). Cytogenetic location: 16q23.1.
Variant type: single nucleotide variant.
Coding change: c.229G>A on transcript NM_018975.4 (MANE Select); coding-DNA position 229, G replaced by A.
Protein change: p.Asp77Asn; replaces aspartic acid 77 with asparagine.
Molecular consequence: missense variant. On other transcripts: non-coding transcript variant (1).
Genome position (GRCh38, 1-based): chr16:75,648,111, G>A. VCF-style: chr16-75648111-G-A. GRCh37 (hg19) VCF-style: chr16-75682009-G-A.
Other names: short protein forms D77N.
Identifiers: ClinVar variation 1789229 (VCV001789229.2), dbSNP rs1428166151, ClinGen allele CA396817478.

ClinVar aggregate classification (germline): Uncertain significance (1 of 4 stars; one submission).

Allele frequency attached by ClinVar (database versions not stated): gnomAD exomes 0.00001.
gnomAD v4.1: 7 of 1,558,198 alleles (0.00045%); highest among the groups gnomAD compares: Non-Finnish European, 0.00061%; no homozygotes.

Submission:

Ambry Genetics
Classification: Uncertain significance. Last evaluated: 2022-08-19. Review status: criteria provided, single submitter. Criteria: Ambry Variant Classification Scheme 2023. Collection method: clinical testing. Allele origin: germline.
Comment: The p.D77N variant (also known as c.229G>A), located in coding exon 1 of the TERF2IP gene, results from a G to A substitution at nucleotide position 229. The aspartic acid at codon 77 is replaced by asparagine, an amino acid with highly similar properties. This amino acid position is conserved. In addition, this alteration is predicted to be tolerated by in silico analysis. Since supporting evidence is limited at this time, the clinical significance of this alteration remains unclear.